The following is an entry in ClinVar:

ClinVar aggregate classification (germline): Uncertain significance. Review status: criteria provided, multiple submitters, no conflicts (2 of 4 stars). 2 submissions from 2 submitters: Uncertain significance (2). Last evaluated 2023-06-05.

Allele frequency attached by ClinVar (database versions not stated): TOPMed below 0.00001; gnomAD 0.00003; ExAC 0.00004; ESP Exome Variant Server 0.00008.
gnomAD v4.1: 34 of 1,611,554 alleles (0.0021%); highest among the groups gnomAD compares: South Asian, 0.0099%; no homozygotes.

Submissions (2):

Labcorp Genetics (formerly Invitae), Labcorp
Classification: Uncertain significance. Last evaluated: 2023-06-05. Review status: criteria provided, single submitter. Criteria: Invitae Variant Classification Sherloc (09022015). Collection method: clinical testing. Allele origin: germline.
Comment: This variant is present in population databases (rs375915718, gnomAD 0.007%). In summary, the available evidence is currently insufficient to determine the role of this variant in disease. Therefore, it has been classified as a Variant of Uncertain Significance. Advanced modeling of protein sequence and biophysical properties (such as structural, functional, and spatial information, amino acid conservation, physicochemical variation, residue mobility, and thermodynamic stability) has been performed at Invitae for this missense variant, however the output from this modeling did not meet the statistical confidence thresholds required to predict the impact of this variant on PITPNM3 protein function. This variant has not been reported in the literature in individuals affected with PITPNM3-related conditions. This sequence change replaces valine, which is neutral and non-polar, with methionine, which is neutral and non-polar, at codon 584 of the PITPNM3 protein (p.Val584Met).

Blueprint Genetics
Classification: Uncertain significance. Last evaluated: 2021-12-17. Review status: criteria provided, single submitter. Criteria: ACMG Guidelines, 2015. Collection method: clinical testing. Allele origin: germline.

NM_031220.4(PITPNM3):c.1750G>A (p.Val584Met)

Gene: PITPNM3 (PITPNM family member 3; minus strand). Cytogenetic location: 17p13.2.
Variant type: single nucleotide variant.
Coding change: c.1750G>A on transcript NM_031220.4 (MANE Select); coding-DNA position 1750, G replaced by A.
Protein change: p.Val584Met; replaces valine 584 with methionine.
Molecular consequence: missense variant.
Genome position (GRCh38, 1-based): chr17:6,470,283, C>T on the plus strand (G>A on the coding strand, the complement: PITPNM3 is on the minus strand). VCF-style: chr17-6470283-C-T. GRCh37 (hg19) VCF-style: chr17-6373603-C-T.
Other names: c.1642G>A, p.Val548Met (NM_001165966.2); short protein forms V584M, V548M.
Identifiers: ClinVar variation 3018935 (VCV003018935.4), dbSNP rs375915718, ClinGen allele CA8329408.